The following is an entry in ClinVar:

NM_022356.4(P3H1):c.105_120del (p.Asp36fs)

Gene: P3H1 (prolyl 3-hydroxylase 1; minus strand). Cytogenetic location: 1p34.2.
Variant type: Deletion.
Coding change: c.105_120del on transcript NM_022356.4 (MANE Select); coding-DNA positions 105 to 120, 16 bases deleted (TGATCTGCTCTTCGCC).
Protein change: p.Asp36fs; shifts the reading frame from aspartic acid 36.
Molecular consequence: frameshift variant.
Genome position (GRCh38, 1-based): chr1:42,766,852-42,766,867, GGCGAAGAGCAGATCA deleted on the plus strand (TGATCTGCTCTTCGCC on the coding strand, the reverse complement: P3H1 is on the minus strand); deleting any 16 consecutive bases within chr1:42,766,852-42,766,871 gives the same sequence; the c. name uses the placement nearest the transcript's 3' end. VCF-style (leftmost placement, unchanged base first): chr1-42766851-CGGCGAAGAGCAGATCA-C. GRCh37 (hg19) VCF-style: chr1-43232522-CGGCGAAGAGCAGATCA-C.
Other names: c.105_120del, p.Asp36fs (NM_001146289.2, NM_001243246.2); short protein forms D36fs.
Identifiers: ClinVar variation 2733877 (VCV002733877.4), dbSNP rs1413085360, ClinGen allele CA522804844.
Genomic context (GRCh38, chr1:42,766,851, plus strand): 5'-CCCGTTCCATGCTCAGGACCACCCCGGGCCAGTCCCCGCGCGCGTAGGCTGCGGTCCCCT[CGGCGAAGAGCAGATCA>C]GGCGTCACCATGCCCCATCCTGCCTCGGACTCGACCTCGGCTTGGGAGGCAGCGGCCACG-3'

ClinVar aggregate classification (germline): Pathogenic. Review status: criteria provided, multiple submitters, no conflicts (2 of 4 stars). 2 submissions from 2 submitters: Pathogenic (2). Last evaluated 2024-04-06.

Conditions:
Osteogenesis imperfecta type 8 (OI8). Identifiers: MedGen C1970458, MONDO:0012581, OMIM 610915.

Submissions (2):

Fulgent Genetics
Classification: Pathogenic for Osteogenesis imperfecta type 8. Last evaluated: 2024-04-06. Review status: criteria provided, single submitter. Criteria: ACMG Guidelines, 2015. Collection method: clinical testing. Allele origin: germline.

Labcorp Genetics (formerly Invitae), Labcorp
Classification: Pathogenic for Osteogenesis imperfecta type 8. Last evaluated: 2024-01-29. Review status: criteria provided, single submitter. Criteria: Invitae Variant Classification Sherloc (09022015). Collection method: clinical testing. Allele origin: germline.
Comment: This sequence change creates a premature translational stop signal (p.Asp36Argfs*16) in the P3H1 gene. It is expected to result in an absent or disrupted protein product. Loss-of-function variants in P3H1 are known to be pathogenic (PMID: 17277775, 18566967, 19088120, 22281939). This variant is present in population databases (no rsID available, gnomAD 0.006%). This premature translational stop signal has been observed in individual(s) with Reported trans with p.Q722* in osteogenesis imperfecta (PMID: 27864101). For these reasons, this variant has been classified as Pathogenic.

Literature cited by the submitters: PubMed 17277775 (cited by Labcorp Genetics (formerly Invitae), Labcorp); PubMed 18566967 (cited by Labcorp Genetics (formerly Invitae), Labcorp); PubMed 19088120 (cited by Labcorp Genetics (formerly Invitae), Labcorp); PubMed 22281939 (cited by Labcorp Genetics (formerly Invitae), Labcorp); PubMed 27864101 (cited by Labcorp Genetics (formerly Invitae), Labcorp).